The following is an entry in ClinVar:

ClinVar aggregate classification (germline): Uncertain significance (1 of 4 stars; one submission).

Allele frequency attached by ClinVar (database versions not stated): TOPMed below 0.00001; gnomAD 0.00001; gnomAD exomes 0.00001.

Submission:

Labcorp Genetics (formerly Invitae), Labcorp
Classification: Uncertain significance. Last evaluated: 2022-02-11. Review status: criteria provided, single submitter. Criteria: Invitae Variant Classification Sherloc (09022015). Collection method: clinical testing. Allele origin: germline.
Comment: This sequence change replaces glycine, which is neutral and non-polar, with valine, which is neutral and non-polar, at codon 223 of the MPDZ protein (p.Gly223Val). This variant is present in population databases (no rsID available, gnomAD 0.02%). This variant has not been reported in the literature in individuals affected with MPDZ-related conditions. Algorithms developed to predict the effect of missense changes on protein structure and function (SIFT, PolyPhen-2, Align-GVGD) all suggest that this variant is likely to be disruptive. In summary, the available evidence is currently insufficient to determine the role of this variant in disease. Therefore, it has been classified as a Variant of Uncertain Significance.

NM_001378778.1(MPDZ):c.668G>T (p.Gly223Val)

Gene: MPDZ (multiple PDZ domain crumbs cell polarity complex component; minus strand). Cytogenetic location: 9p23.
Variant type: single nucleotide variant.
Coding change: c.668G>T on transcript NM_001378778.1 (MANE Select); coding-DNA position 668, G replaced by T.
Protein change: p.Gly223Val; replaces glycine 223 with valine.
Molecular consequence: missense variant.
Genome position (GRCh38, 1-based): chr9:13,222,312, C>A on the plus strand (G>T on the coding strand, the complement: MPDZ is on the minus strand). VCF-style: chr9-13222312-C-A. GRCh37 (hg19) VCF-style: chr9-13222311-C-A.
Other names: c.668G>T, p.Gly223Val (NM_001261406.2, NM_001261407.2, NM_001330637.2 and 14 more transcripts); short protein forms G223V.
Identifiers: ClinVar variation 2096395 (VCV002096395.1), dbSNP rs1348506663, ClinGen allele CA372946727.
Genomic context (GRCh38, chr9:13,222,312, plus strand): 5'-ATTGTGCTGGCTGCAGATGGAGAACGGGAAACTATGGGGCTGACAAGCTGAGGCAATGAG[C>A]CTCTGGCAATAACTAGCTGGACAGTATCTTTGGCTTTCTGCAGGATGCTGATAGCCTGCT-3'
Protein context (NP_001365707.1, residues 213-233): KDTVQLVIAR[Gly223Val]SLPQLVSPIV